The following is an entry in ClinVar:

ClinVar aggregate classification (germline): Likely pathogenic (1 of 4 stars; one submission).

Conditions:
Osteogenesis imperfecta with normal sclerae, dominant form (OI4). Also called: Osteogenesis imperfecta type 4; Common Variable Osteogenesis Imperfecta with Normal Sclerae; OSTEOGENESIS IMPERFECTA WITH NORMAL SCLERAE; OSTEOGENESIS IMPERFECTA, TYPE IV, WITH DENTINOGENESIS IMPERFECTA; Osteogenesis Imperfecta Type IV. Identifiers: Orphanet 216820, Orphanet 666, MedGen C0268363, MONDO:0008148, OMIM 166220.

Submission:

3billion
Classification: Likely pathogenic for Osteogenesis imperfecta with normal sclerae, dominant form. Last evaluated: 2022-05-22. Review status: criteria provided, single submitter. Criteria: ACMG Guidelines, 2015. Collection method: clinical testing. Allele origin: germline. Affected: yes. Observed: 1 variant allele.
Comment: The variant is not observed in the gnomAD v2.1.1 dataset. Frameshift: predicted to result in a loss or disruption of normal protein function through nonsense-mediated decay (NMD) or protein truncation. Multiple pathogenic variants are reported downstream of the variant. Therefore, this variant is classified as likely pathogenic according to the recommendation of ACMG/AMP guideline.

NM_000088.4(COL1A1):c.1891_1895del (p.Glu630_Arg631insTer)

Gene: COL1A1 (collagen type I alpha 1 chain; minus strand). Cytogenetic location: 17q21.33.
Variant type: Deletion.
Coding change: c.1891_1895del on transcript NM_000088.4 (MANE Select); coding-DNA positions 1891 to 1895, 5 bases deleted (AGAGG; older notation c.1891_1895delAGAGG).
Protein change: p.Glu630_Arg631insTer.
Molecular consequence: nonsense.
Genome position (GRCh38, 1-based): chr17:50,192,674-50,192,678, CCTCT deleted on the plus strand (AGAGG on the coding strand, the reverse complement: COL1A1 is on the minus strand); deleting any 5 consecutive bases within chr17:50,192,674-50,192,679 gives the same sequence; the c. name uses the placement nearest the transcript's 3' end. VCF-style (leftmost placement, unchanged base first): chr17-50192673-ACCTCT-A. GRCh37 (hg19) VCF-style: chr17-48270034-ACCTCT-A.
Identifiers: ClinVar variation 1687556 (VCV001687556.1), dbSNP rs2144563843, ClinGen allele CA2573154257.